The following is an entry in ClinVar:

NM_002576.5(PAK1):c.1063G>A (p.Val355Met)

Gene: PAK1 (p21 (RAC1) activated kinase 1; minus strand). Cytogenetic location: 11q13.5.
Variant type: single nucleotide variant.
Coding change: c.1063G>A on transcript NM_002576.5 (MANE Select); coding-DNA position 1063, G replaced by A.
Protein change: p.Val355Met; replaces valine 355 with methionine.
Molecular consequence: missense variant. On other transcripts: non-coding transcript variant (2).
Genome position (GRCh38, 1-based): chr11:77,340,699, C>T on the plus strand (G>A on the coding strand, the complement: PAK1 is on the minus strand). VCF-style: chr11-77340699-C-T. GRCh37 (hg19) VCF-style: chr11-77051744-C-T.
Other names: c.1063G>A, p.Val355Met (NM_001128620.2, NM_001376268.1, NM_001376269.1 and 23 more transcripts); c.1084G>A, p.Val362Met (NM_001376272.1); c.1054G>A, p.Val352Met (NM_001376294.1); c.886G>A, p.Val296Met (NM_001376295.1); c.814G>A, p.Val272Met (NM_001376301.1); c.769G>A, p.Val257Met (NM_001376302.1, NM_001376304.1, NM_001376305.1); c.775G>A, p.Val259Met (NM_001376303.1); short protein forms V257M, V259M, V272M, V296M, V352M, V355M, V362M.
Identifiers: ClinVar variation 3777632 (VCV003777632.1).
Genomic context (GRCh38, chr11:77,340,699, plus strand): 5'-GCCTTACCTCACGGCACACAGCTGCAATTTGGCCTTCATCCATGCAAGTTTCTGTCACCA[C>T]ATCTGTCAAGGAGCCTCCAGCCAAGTATTCCATAACAACCCACAGCTCATCTCCCACGAG-3'
Protein context (NP_002567.3, residues 345-365): EYLAGGSLTD[Val355Met]VTETCMDEGQ

ClinVar aggregate classification (germline): Uncertain significance (1 of 4 stars; one submission).

gnomAD v4.1: 1 of 1,612,530 alleles (0.000062%); highest among the groups gnomAD compares: Non-Finnish European, 0.000085%; no homozygotes.

Submission:

GeneDx
Classification: Uncertain significance. Last evaluated: 2024-10-13. Review status: criteria provided, single submitter. Criteria: GeneDx Variant Classification Process June 2021. Collection method: clinical testing. Allele origin: germline. Affected: yes.
Comment: Not observed at significant frequency in large population cohorts (gnomAD); In silico analysis supports that this missense variant has a deleterious effect on protein structure/function; Has not been previously published as pathogenic or benign to our knowledge